The following is an entry in ClinVar:

NM_015073.3(SIPA1L3):c.3177G>A (p.Ser1059=)

Gene: SIPA1L3 (signal induced proliferation associated 1 like 3; plus strand). Cytogenetic location: 19q13.13.
Variant type: single nucleotide variant.
Coding change: c.3177G>A on transcript NM_015073.3 (MANE Select); coding-DNA position 3177, G replaced by A.
Protein change: p.Ser1059=; no amino-acid change (serine 1059 retained).
Molecular consequence: synonymous variant.
Genome position (GRCh38, 1-based): chr19:38,141,217, G>A. VCF-style: chr19-38141217-G-A. GRCh37 (hg19) VCF-style: chr19-38631857-G-A.
Identifiers: ClinVar variation 3045207 (VCV003045207.2), dbSNP rs145667425, ClinGen allele CA9409913.

ClinVar aggregate classification (germline): Likely benign (0 of 4 stars; one submission).

Conditions:
SIPA1L3-related disorder. Also called: SIPA1L3-related condition.

Allele frequency attached by ClinVar (database versions not stated): ExAC 0.00001; gnomAD exomes 0.00003; TOPMed 0.00003; gnomAD 0.00005; ESP Exome Variant Server 0.00008.
gnomAD v4.1: 50 of 1,610,858 alleles (0.0031%); highest among the groups gnomAD compares: East Asian, 0.018%; no homozygotes.

Submission:

PreventionGenetics, part of Exact Sciences
Classification: Likely benign for SIPA1L3-related condition. Last evaluated: 2020-08-03. Review status: no assertion criteria provided. Collection method: clinical testing. Allele origin: germline.
Comment: This variant is classified as likely benign based on ACMG/AMP sequence variant interpretation guidelines (Richards et al. 2015 PMID: 25741868, with internal and published modifications).